The following is an entry in ClinVar:

ClinVar aggregate classification (germline): Uncertain significance. Review status: criteria provided, multiple submitters, no conflicts (2 of 4 stars). 2 submissions from 2 submitters: Uncertain significance (2). Last evaluated 2026-08-22.

Conditions:
Dyskeratosis congenita. Identifiers: Orphanet 1775, MedGen C0265965, MONDO:0015780.
Dyskeratosis congenita, autosomal dominant 2. Identifiers: MedGen C3151443, MONDO:0013521, OMIM 613989.
Idiopathic Pulmonary Fibrosis. Also called: Idiopathic fibrosing alveolitis, chronic form; idiopathic fibrosing alveolitis. Identifiers: Orphanet 2032, MedGen C1800706, MeSH D054990, MONDO:0800504.

Submissions (2):

Ambry Genetics
Classification: Uncertain significance for Dyskeratosis congenita. Last evaluated: 2026-08-22. Review status: criteria provided, single submitter. Criteria: Ambry Variant Classification Scheme 2023. Collection method: clinical testing. Allele origin: germline.
Comment: The p.T509S variant (also known as c.1525A>T), located in coding exon 2 of the TERT gene, results from an A to T substitution at nucleotide position 1525. The threonine at codon 509 is replaced by serine, an amino acid with similar properties. This amino acid position is conserved. In addition, this alteration is predicted to be tolerated by in silico analysis. Based on the available evidence, the clinical significance of this variant remains unclear.

Labcorp Genetics (formerly Invitae), Labcorp
Classification: Uncertain significance for Dyskeratosis congenita, autosomal dominant 2; Idiopathic Pulmonary Fibrosis. Last evaluated: 2025-10-23. Review status: criteria provided, single submitter. Criteria: Invitae Variant Classification Sherloc (09022015). Collection method: clinical testing. Allele origin: germline.
Comment: This sequence change replaces threonine, which is neutral and polar, with serine, which is neutral and polar, at codon 509 of the TERT protein (p.Thr509Ser). This variant is not present in population databases (gnomAD no frequency). This variant has not been reported in the literature in individuals affected with TERT-related conditions. Invitae Evidence Modeling of protein sequence and biophysical properties (such as structural, functional, and spatial information, amino acid conservation, physicochemical variation, residue mobility, and thermodynamic stability) has been performed for this missense variant. However, the output from this modeling did not meet the statistical confidence thresholds required to predict the impact of this variant on TERT protein function. In summary, the available evidence is currently insufficient to determine the role of this variant in disease. Therefore, it has been classified as a Variant of Uncertain Significance.

NM_198253.3(TERT):c.1525A>T (p.Thr509Ser)

Gene: TERT (telomerase reverse transcriptase; minus strand). Cytogenetic location: 5p15.33.
Variant type: single nucleotide variant.
Coding change: c.1525A>T on transcript NM_198253.3 (MANE Select); coding-DNA position 1525, A replaced by T.
Protein change: p.Thr509Ser; replaces threonine 509 with serine.
Molecular consequence: missense variant. On other transcripts: non-coding transcript variant (2).
Genome position (GRCh38, 1-based): chr5:1,293,361, T>A on the plus strand (A>T on the coding strand, the complement: TERT is on the minus strand). VCF-style: chr5-1293361-T-A. GRCh37 (hg19) VCF-style: chr5-1293476-T-A.
Other names: c.1525A>T, p.Thr509Ser (NM_001193376.3); short protein forms T509S.
Identifiers: ClinVar variation 4783693 (VCV004783693.2).